The following is an entry in ClinVar:

ClinVar aggregate classification (germline): Uncertain significance (1 of 4 stars; one submission).

Conditions:
Emery-Dreifuss muscular dystrophy 5, autosomal dominant (EDMD5). Also called: EMERY-DREIFUSS MUSCULAR DYSTROPHY 5. Identifiers: Orphanet 261, MedGen C2751805, MONDO:0013072, OMIM 612999.

Allele frequency attached by ClinVar (database versions not stated): gnomAD 0.00001.
gnomAD v4.1: 2 of 1,613,856 alleles (0.00012%); highest among the groups gnomAD compares: African/African-American, 0.0013%; no homozygotes.

Submission:

Labcorp Genetics (formerly Invitae), Labcorp
Classification: Uncertain significance for Emery-Dreifuss muscular dystrophy 5, autosomal dominant. Last evaluated: 2021-12-21. Review status: criteria provided, single submitter. Criteria: Invitae Variant Classification Sherloc (09022015). Collection method: clinical testing. Allele origin: germline.
Comment: In summary, the available evidence is currently insufficient to determine the role of this variant in disease. Therefore, it has been classified as a Variant of Uncertain Significance. Algorithms developed to predict the effect of missense changes on protein structure and function are either unavailable or do not agree on the potential impact of this missense change (SIFT: "Tolerated"; PolyPhen-2: "Possibly Damaging"; Align-GVGD: "Class C0"). ClinVar contains an entry for this variant (Variation ID: 854102). This variant has not been reported in the literature in individuals affected with SYNE2-related conditions. This variant is not present in population databases (gnomAD no frequency). This sequence change replaces alanine, which is neutral and non-polar, with glycine, which is neutral and non-polar, at codon 5220 of the SYNE2 protein (p.Ala5220Gly).

NM_182914.3(SYNE2):c.15659C>G (p.Ala5220Gly)

Gene: SYNE2 (spectrin repeat containing nuclear envelope protein 2; plus strand). Cytogenetic location: 14q23.2.
Variant type: single nucleotide variant.
Coding change: c.15659C>G on transcript NM_182914.3 (MANE Select); coding-DNA position 15659, C replaced by G.
Protein change: p.Ala5220Gly; replaces alanine 5220 with glycine.
Molecular consequence: missense variant.
Genome position (GRCh38, 1-based): chr14:64,152,583, C>G. VCF-style: chr14-64152583-C-G. GRCh37 (hg19) VCF-style: chr14-64619301-C-G.
Other names: c.15659C>G, p.Ala5220Gly (NM_015180.6); short protein forms A5220G.
Identifiers: ClinVar variation 854102 (VCV000854102.9), dbSNP rs765911639, ClinGen allele CA261821378.